The following is an entry in ClinVar:

ClinVar aggregate classification (germline): Likely pathogenic (1 of 4 stars; one submission).

Conditions:
Familial thoracic aortic aneurysm and aortic dissection (TAAD). Also called: Thoracic aortic aneurysms and dissections. Identifiers: Orphanet 91387, MedGen C4707243, MONDO:0019625.
Marfan syndrome (MFS). Also called: Marfan syndrome, classic; Marfan syndrome type 1; Marfan's syndrome; FBN1-Related Marfan Syndrome; MARFAN SYNDROME, TYPE I. Identifiers: Orphanet 284963, Orphanet 558, MedGen C0024796, MONDO:0007947, OMIM 154700.

Submission:

Labcorp Genetics (formerly Invitae), Labcorp
Classification: Likely pathogenic for Marfan syndrome; Familial thoracic aortic aneurysm and aortic dissection. Last evaluated: 2024-11-07. Review status: criteria provided, single submitter. Criteria: Invitae Variant Classification Sherloc (09022015). Collection method: clinical testing. Allele origin: germline.
Comment: This sequence change replaces cysteine, which is neutral and slightly polar, with glycine, which is neutral and non-polar, at codon 336 of the FBN1 protein (p.Cys336Gly). This variant is not present in population databases (gnomAD no frequency). This missense change has been observed in individual(s) with clinical features of Marfan syndrome (internal data). ClinVar contains an entry for this variant (Variation ID: 934678). Invitae Evidence Modeling of protein sequence and biophysical properties (such as structural, functional, and spatial information, amino acid conservation, physicochemical variation, residue mobility, and thermodynamic stability) indicates that this missense variant is expected to disrupt FBN1 protein function with a positive predictive value of 95%. This variant affects a cysteine residue in the EGF-like, TGFBP or hybrid motif domains of FBN1. Cysteine residues are believed to be involved in intramolecular disulfide bridges and have been shown to be important for FBN1 protein structure (PMID: 16905551, 19349279). In addition, missense substitutions affecting cysteine residues within these domains are significantly overrepresented among patients with Marfan syndrome (PMID: 16571647, 17701892). This variant disrupts the p.Cys336 amino acid residue in FBN1. Other variant(s) that disrupt this residue have been observed in individuals with FBN1-related conditions (PMID: 27906200; internal data), which suggests that this may be a clinically significant amino acid residue. In summary, the currently available evidence indicates that the variant is pathogenic, but additional data are needed to prove that conclusively. Therefore, this variant has been classified as Likely Pathogenic.

Literature cited by the submitters: PubMed 16905551; PubMed 19349279; PubMed 16571647; PubMed 17701892; PubMed 27906200.

NM_000138.5(FBN1):c.1006T>G (p.Cys336Gly)

Genes: FBN1 (fibrillin 1; minus strand), LOC113939944 (Sharpr-MPRA regulatory region 9539; plus strand). Cytogenetic location: 15q21.1.
Variant type: single nucleotide variant.
Coding change: c.1006T>G on transcript NM_000138.5 (MANE Select); coding-DNA position 1006, T replaced by G.
Protein change: p.Cys336Gly; replaces cysteine 336 with glycine.
Molecular consequence: missense variant.
Genome position (GRCh38, 1-based): chr15:48,520,800, A>C on the plus strand (T>G on the coding strand, the complement: FBN1 is on the minus strand). VCF-style: chr15-48520800-A-C. GRCh37 (hg19) VCF-style: chr15-48812997-A-C.
Other names: short protein forms C336G.
Identifiers: ClinVar variation 934678 (VCV000934678.9), dbSNP rs1555400612, ClinGen allele CA392347900.
Genomic context (GRCh38, chr15:48,520,800, plus strand): 5'-TTTTGGTTATGGACTGTGGCAGCTGGTTAGAGCAGCGCCCGTTTGTCAGAGCTGTGTAAC[A>C]GTATCCTGGGCGAACATCTGAGGACAAAGAAACACATACACACACACACATCGCTGAGAT-3'
Protein context (NP_000129.3, residues 326-346): TRCIDVRPGY[Cys336Gly]YTALTNGRCS